The following is an entry in ClinVar:

NM_001080517.3(SETD5):c.3631+1G>A

Gene: SETD5 (SET domain containing 5; plus strand). Cytogenetic location: 3p25.3.
Variant type: single nucleotide variant.
Coding change: c.3631+1G>A on transcript NM_001080517.3 (MANE Select); the canonical splice donor site of the intron after coding-DNA position 3631, G replaced by A.
Molecular consequence: splice donor variant.
Genome position (GRCh38, 1-based): chr3:9,474,583, G>A. VCF-style: chr3-9474583-G-A. GRCh37 (hg19) VCF-style: chr3-9516267-G-A.
Other names: c.3337+1G>A (NM_001349451.2, NM_001292043.2); c.3631+1G>A (NM_001080517.2).
Identifiers: ClinVar variation 1075980 (VCV001075980.6), dbSNP rs1553640838, ClinGen allele CA351689629.

ClinVar aggregate classification (germline): Pathogenic. Review status: criteria provided, multiple submitters, no conflicts (2 of 4 stars). 2 submissions from 2 submitters: Pathogenic (2). Last evaluated 2023-07-17.

Conditions:
Intellectual disability-facial dysmorphism syndrome due to SETD5 haploinsufficiency (MRD23). Also called: Intellectual developmental disorder, autosomal dominant 23. Identifiers: Orphanet 404440, MedGen C3810406, MONDO:0014336, OMIM 615761.

Submissions (2):

Victorian Clinical Genetics Services, Murdoch Childrens Research Institute
Classification: Pathogenic for Intellectual disability-facial dysmorphism syndrome due to SETD5 haploinsufficiency. Last evaluated: 2023-07-17. Review status: criteria provided, single submitter. Criteria: ACMG Guidelines, 2015. Collection method: clinical testing. Allele origin: germline. Inheritance: Autosomal dominant inheritance. Affected: yes.
Comment: Based on the classification scheme VCGS_Germline_v1.3.4, this variant is classified as Pathogenic. Following criteria are met: 0102 - Loss of function is a known mechanism of disease in this gene and is associated with intellectual developmental disorder, autosomal dominant 23 (MIM#615761). (I) 0107 - This gene is associated with autosomal dominant disease. (I) 0211 - Canonical splice site variant without proven consequence on splicing (no functional evidence available). (SP) 0251 - This variant is heterozygous. (I) 0301 - Variant is absent from gnomAD (both v2 and v3). (SP) 0505 - Abnormal splicing is predicted by in silico tools and affected nucleotide is highly conserved. (SP) 0704 - Another canonical splice variant comparable to the one identified in this case has limited previous evidence for pathogenicity. This alternative change (c.3631+1G>T) has been reported as likely pathogenic (ClinVar). (SP) 0802 - This variant has moderate previous evidence of pathogenicity in an unrelated individual. This variant has been reported as pathogenic, and observed de novo in a single individual with heart defect, developmental delay, hypotonia, feeding difficulties/short stature, and anxiety (ClinVar, personal communication). (SP) 0905 - No published segregation evidence has been identified for this variant. (I) 1007 - No published functional evidence has been identified for this variant. (SP) Legend: (SP) - Supporting pathogenic, (I) - Information, (SB) - Supporting benign

Labcorp Genetics (formerly Invitae), Labcorp
Classification: Pathogenic. Last evaluated: 2023-02-14. Review status: criteria provided, single submitter. Criteria: Invitae Variant Classification Sherloc (09022015). Collection method: clinical testing. Allele origin: germline.
Comment: Algorithms developed to predict the effect of sequence changes on RNA splicing suggest that this variant may disrupt the consensus splice site. ClinVar contains an entry for this variant (Variation ID: 1075980). Disruption of this splice site has been observed in individual(s) with clinical features of SETD5-related conditions (Invitae). In at least one individual the variant was observed to be de novo. This variant is not present in population databases (gnomAD no frequency). This sequence change affects a donor splice site in intron 21 of the SETD5 gene. It is expected to disrupt RNA splicing. Variants that disrupt the donor or acceptor splice site typically lead to a loss of protein function (PMID: 16199547), and loss-of-function variants in SETD5 are known to be pathogenic (PMID: 24680889). For these reasons, this variant has been classified as Pathogenic.

Literature cited by the submitters: PubMed 16199547 (cited by Labcorp Genetics (formerly Invitae), Labcorp); PubMed 24680889 (cited by Labcorp Genetics (formerly Invitae), Labcorp).